The following is an entry in ClinVar:

NM_003482.4(KMT2D):c.1031C>G (p.Ser344Cys)

Gene: KMT2D (lysine methyltransferase 2D; minus strand). Cytogenetic location: 12q13.12.
Variant type: single nucleotide variant.
Coding change: c.1031C>G on transcript NM_003482.4 (MANE Select); coding-DNA position 1031, C replaced by G.
Protein change: p.Ser344Cys; replaces serine 344 with cysteine.
Molecular consequence: missense variant.
Genome position (GRCh38, 1-based): chr12:49,052,996, G>C on the plus strand (C>G on the coding strand, the complement: KMT2D is on the minus strand). VCF-style: chr12-49052996-G-C. GRCh37 (hg19) VCF-style: chr12-49446779-G-C.
Other names: short protein forms S344C.
Identifiers: ClinVar variation 2572925 (VCV002572925.1), dbSNP rs1287920288, ClinGen allele CA384678362.

ClinVar aggregate classification (germline): Uncertain significance (1 of 4 stars; one submission).

Allele frequency attached by ClinVar (database versions not stated): gnomAD exomes below 0.00001.

Submission:

GeneDx
Classification: Uncertain significance. Last evaluated: 2023-01-17. Review status: criteria provided, single submitter. Criteria: GeneDx Variant Classification Process June 2021. Collection method: clinical testing. Allele origin: germline. Affected: yes.
Comment: In silico analysis supports that this missense variant does not alter protein structure/function; Has not been previously published as pathogenic or benign to our knowledge